The following is an entry in ClinVar:

ClinVar aggregate classification (germline): Uncertain significance (1 of 4 stars; one submission).

Submission:

Labcorp Genetics (formerly Invitae), Labcorp
Classification: Uncertain significance. Last evaluated: 2025-12-30. Review status: criteria provided, single submitter. Criteria: Invitae Variant Classification Sherloc (09022015). Collection method: clinical testing. Allele origin: germline.
Comment: This sequence change falls in intron 5 of the OPA1 gene. It does not directly change the encoded amino acid sequence of the OPA1 protein. It affects a nucleotide within the consensus splice site. This variant is not present in population databases (gnomAD no frequency). This variant has not been reported in the literature in individuals affected with OPA1-related conditions. ClinVar contains an entry for this variant (Variation ID: 3724406). Variants that disrupt the consensus splice site are a relatively common cause of aberrant splicing (PMID: 17576681, 9536098). Algorithms developed to predict the effect of sequence changes on RNA splicing suggest that this variant is not likely to affect RNA splicing. In summary, the available evidence is currently insufficient to determine the role of this variant in disease. Therefore, it has been classified as a Variant of Uncertain Significance.

Literature cited by the submitters: PubMed 17576681; PubMed 9536098.

NM_130837.3(OPA1):c.678+5G>A

Genes: OPA1 (OPA1 mitochondrial dynamin like GTPase; plus strand), OPA1-AS1 (OPA1 antisense RNA 1; minus strand). Cytogenetic location: 3q29.
Variant type: single nucleotide variant.
Coding change: c.678+5G>A on transcript NM_130837.3 (MANE Select); 5 bases into the intron after coding-DNA position 678, G replaced by A.
Molecular consequence: intron variant.
Genome position (GRCh38, 1-based): chr3:193,618,941, G>A. VCF-style: chr3-193618941-G-A. GRCh37 (hg19) VCF-style: chr3-193336730-G-A.
Other names: c.252+5G>A (NM_001354664.2); c.144+5G>A (NM_001354663.2); c.678+5G>A (NM_130834.3); c.624+5G>A (NM_130836.3, NM_015560.3); c.570+5G>A (NM_130835.3, NM_130832.3); c.516+5G>A (NM_130833.3, NM_130831.3).
Identifiers: ClinVar variation 3724406 (VCV003724406.2).